The following is an entry in ClinVar:

NM_001082486.2(ACD):c.1063C>T (p.Pro355Ser)

Gene: ACD (ACD shelterin complex subunit and telomerase recruitment factor; minus strand). Cytogenetic location: 16q22.1.
Variant type: single nucleotide variant.
Coding change: c.1063C>T on transcript NM_001082486.2 (MANE Select); coding-DNA position 1063, C replaced by T.
Protein change: p.Pro355Ser; replaces proline 355 with serine.
Molecular consequence: missense variant.
Genome position (GRCh38, 1-based): chr16:67,658,129, G>A on the plus strand (C>T on the coding strand, the complement: ACD is on the minus strand). VCF-style: chr16-67658129-G-A. GRCh37 (hg19) VCF-style: chr16-67692032-G-A.
Other names: c.1054C>T, p.Pro352Ser (NM_022914.3); short protein forms P352S, P355S.
Identifiers: ClinVar variation 860243 (VCV000860243.13), dbSNP rs757414908, ClinGen allele CA8114448.

ClinVar aggregate classification (germline): Conflicting classifications of pathogenicity. Review status: criteria provided, conflicting classifications (1 of 4 stars). 5 submissions from 5 submitters: Uncertain significance (4); Likely benign (1). Last evaluated 2025-12-10.

Conditions:
Inborn genetic diseases. Identifiers: MedGen C0950123, MeSH D030342.
ACD-related disorder. Also called: ACD-related condition.
Dyskeratosis congenita, autosomal dominant 6 (DKCA6). Identifiers: Orphanet 3322, MedGen C4225284, MONDO:0014690, OMIM 616553.

Allele frequency attached by ClinVar (database versions not stated): gnomAD 0.00001 and 0.00003; gnomAD exomes 0.00003 and 0.00004; ExAC 0.00004; TOPMed below 0.00001.

Submissions (5):

Labcorp Genetics (formerly Invitae), Labcorp
Classification: Uncertain significance for Dyskeratosis congenita, autosomal dominant 6. Last evaluated: 2025-12-10. Review status: criteria provided, single submitter. Criteria: Invitae Variant Classification Sherloc (09022015). Collection method: clinical testing. Allele origin: germline.
Comment: This sequence change replaces proline, which is neutral and non-polar, with serine, which is neutral and polar, at codon 441 of the ACD protein (p.Pro441Ser). This variant is present in population databases (rs757414908, gnomAD 0.02%). This variant has not been reported in the literature in individuals affected with ACD-related conditions. ClinVar contains an entry for this variant (Variation ID: 860243). Invitae Evidence Modeling of protein sequence and biophysical properties (such as structural, functional, and spatial information, amino acid conservation, physicochemical variation, residue mobility, and thermodynamic stability) indicates that this missense variant is not expected to disrupt ACD protein function with a negative predictive value of 80%. In summary, the available evidence is currently insufficient to determine the role of this variant in disease. Therefore, it has been classified as a Variant of Uncertain Significance.

Women's Health and Genetics/Laboratory Corporation of America, LabCorp
Classification: Uncertain significance. Last evaluated: 2025-11-11. Review status: criteria provided, single submitter. Criteria: LabCorp Variant Classification Summary - May 2015. Collection method: clinical testing. Allele origin: germline.
Comment: Variant summary: ACD c.1063C>T (p.Pro355Ser) results in a non-conservative amino acid change in the encoded protein sequence. Algorithms developed to predict the effect of missense changes on protein structure and function are either unavailable or do not agree on the potential impact of this missense change. The variant allele was found at a frequency of 4.2e-05 in 237010 control chromosomes. This frequency is not significantly higher than estimated for disease-causing variants in ACD, allowing no conclusion about variant significance. To our knowledge, no occurrence of c.1063C>T in individuals affected with ACD-related conditions and no experimental evidence demonstrating its impact on protein function have been reported. ClinVar contains an entry for this variant (Variation ID: 860243). Based on the evidence outlined above, the variant was classified as uncertain significance.

PreventionGenetics, part of Exact Sciences
Classification: Uncertain significance for ACD-related condition. Last evaluated: 2023-06-09. Review status: criteria provided, single submitter. Criteria: ACMG Guidelines, 2015. Collection method: clinical testing. Allele origin: germline.
Comment: The ACD c.1321C>T variant is predicted to result in the amino acid substitution p.Pro441Ser. To our knowledge, this variant has not been reported in the literature. This variant is reported in 0.022% of alleles in individuals of South Asian descent in gnomAD. At this time, the clinical significance of this variant is uncertain due to the absence of conclusive functional and genetic evidence.

Blueprint Genetics
Classification: Likely benign. Last evaluated: 2023-03-13. Review status: criteria provided, single submitter. Criteria: ACMG Guidelines, 2015. Collection method: clinical testing. Allele origin: germline.

Ambry Genetics
Classification: Uncertain significance for Inborn genetic diseases. Last evaluated: 2021-07-07. Review status: criteria provided, single submitter. Criteria: Ambry Variant Classification Scheme 2023. Collection method: clinical testing. Allele origin: germline.
Comment: The p.P441S variant (also known as c.1321C>T), located in coding exon 10 of the ACD gene, results from a C to T substitution at nucleotide position 1321. The proline at codon 441 is replaced by serine, an amino acid with similar properties. This amino acid position is conserved. In addition, this alteration is predicted to be tolerated by in silico analysis. Since supporting evidence is limited at this time, the clinical significance of this alteration remains unclear.